The following is an entry in ClinVar:

NM_001447.3(FAT2):c.47C>A (p.Ala16Glu)

Gene: FAT2 (FAT atypical cadherin 2; minus strand). Cytogenetic location: 5q33.1.
Variant type: single nucleotide variant.
Coding change: c.47C>A on transcript NM_001447.3 (MANE Select); coding-DNA position 47, C replaced by A.
Protein change: p.Ala16Glu; replaces alanine 16 with glutamic acid.
Molecular consequence: missense variant.
Genome position (GRCh38, 1-based): chr5:151,568,885, G>T on the plus strand (C>A on the coding strand, the complement: FAT2 is on the minus strand). VCF-style: chr5-151568885-G-T. GRCh37 (hg19) VCF-style: chr5-150948446-G-T.
Other names: c.47C>A (NM_001447.2); short protein forms A16E.
Identifiers: ClinVar variation 2793177 (VCV002793177.4), dbSNP rs200899973, ClinGen allele CA361818783.

ClinVar aggregate classification (germline): Uncertain significance. Review status: criteria provided, single submitter (1 of 4 stars). 2 submissions from 2 submitters: Uncertain significance (1). 1 of the submissions does not count toward it. Last evaluated 2023-09-30.

Conditions:
FAT2-related disorder. Also called: FAT2-related condition.

Submissions (2):

Labcorp Genetics (formerly Invitae), Labcorp
Classification: Uncertain significance. Last evaluated: 2023-09-30. Review status: criteria provided, single submitter. Criteria: Invitae Variant Classification Sherloc (09022015). Collection method: clinical testing. Allele origin: germline.
Comment: An algorithm developed to predict the effect of missense changes on protein structure and function (PolyPhen-2) suggests that this variant is likely to be tolerated. In summary, the available evidence is currently insufficient to determine the role of this variant in disease. Therefore, it has been classified as a Variant of Uncertain Significance. This variant has not been reported in the literature in individuals affected with FAT2-related conditions. This variant is not present in population databases (gnomAD no frequency). This sequence change replaces alanine, which is neutral and non-polar, with glutamic acid, which is acidic and polar, at codon 16 of the FAT2 protein (p.Ala16Glu).

PreventionGenetics, part of Exact Sciences
Classification: Uncertain significance for FAT2-related condition. Last evaluated: 2024-03-14. Review status: no assertion criteria provided. Collection method: clinical testing. Allele origin: germline. Not counted in ClinVar's aggregate classification.
Comment: The FAT2 c.47C>A variant is predicted to result in the amino acid substitution p.Ala16Glu. To our knowledge, this variant has not been reported in the literature or in a large population database, indicating this variant is rare. At this time, the clinical significance of this variant is uncertain due to the absence of conclusive functional and genetic evidence.